The following is an entry in ClinVar:

NM_012233.3(RAB3GAP1):c.2777A>G (p.Asn926Ser)

Gene: RAB3GAP1 (RAB3 GTPase activating protein catalytic subunit 1; plus strand). Cytogenetic location: 2q21.3.
Variant type: single nucleotide variant.
Coding change: c.2777A>G on transcript NM_012233.3 (MANE Select); coding-DNA position 2777, A replaced by G.
Protein change: p.Asn926Ser; replaces asparagine 926 with serine.
Molecular consequence: missense variant.
Genome position (GRCh38, 1-based): chr2:135,168,612, A>G. VCF-style: chr2-135168612-A-G. GRCh37 (hg19) VCF-style: chr2-135926182-A-G.
Other names: c.2798A>G, p.Asn933Ser (NM_001172435.2); short protein forms N926S, N933S.
Identifiers: ClinVar variation 2054212 (VCV002054212.4), dbSNP rs764571397, ClinGen allele CA1885186.

ClinVar aggregate classification (germline): Uncertain significance (1 of 4 stars; one submission).

Allele frequency attached by ClinVar (database versions not stated): gnomAD exomes below 0.00001; ExAC 0.00001.
gnomAD v4.1: 1 of 1,614,032 alleles (0.000062%); highest among the groups gnomAD compares: Non-Finnish European, 0.000085%; no homozygotes.

Submission:

Labcorp Genetics (formerly Invitae), Labcorp
Classification: Uncertain significance. Last evaluated: 2024-02-23. Review status: criteria provided, single submitter. Criteria: Invitae Variant Classification Sherloc (09022015). Collection method: clinical testing. Allele origin: germline.
Comment: This sequence change replaces asparagine, which is neutral and polar, with serine, which is neutral and polar, at codon 926 of the RAB3GAP1 protein (p.Asn926Ser). This variant is present in population databases (rs764571397, gnomAD 0.0009%). This variant has not been reported in the literature in individuals affected with RAB3GAP1-related conditions. ClinVar contains an entry for this variant (Variation ID: 2054212). Advanced modeling of protein sequence and biophysical properties (such as structural, functional, and spatial information, amino acid conservation, physicochemical variation, residue mobility, and thermodynamic stability) performed at Invitae indicates that this missense variant is not expected to disrupt RAB3GAP1 protein function with a negative predictive value of 80%. In summary, the available evidence is currently insufficient to determine the role of this variant in disease. Therefore, it has been classified as a Variant of Uncertain Significance.